The following is an entry in ClinVar:

NM_015354.3(NUP188):c.1563A>G (p.Val521=)

Gene: NUP188 (nucleoporin 188; plus strand). Cytogenetic location: 9q34.11.
Variant type: single nucleotide variant.
Coding change: c.1563A>G on transcript NM_015354.3 (MANE Select); coding-DNA position 1563, A replaced by G.
Protein change: p.Val521=; no amino-acid change (valine 521 retained).
Molecular consequence: synonymous variant.
Genome position (GRCh38, 1-based): chr9:128,982,595, A>G. VCF-style: chr9-128982595-A-G. GRCh37 (hg19) VCF-style: chr9-131744874-A-G.
Identifiers: ClinVar variation 3026045 (VCV003026045.22), dbSNP rs139639876, ClinGen allele CA5272363.

ClinVar aggregate classification (germline): Likely benign (1 of 4 stars; one submission).

Allele frequency attached by ClinVar (database versions not stated): ExAC 0.00009; gnomAD 0.00017; TOPMed 0.00019; gnomAD exomes 0.00025; ESP Exome Variant Server 0.00031.
gnomAD v4.1: 434 of 1,613,980 alleles (0.027%); highest among the groups gnomAD compares: Non-Finnish European, 0.032%; no homozygotes.

Submission:

CeGaT Center for Human Genetics Tuebingen
Classification: Likely benign. Last evaluated: 2025-08-01. Review status: criteria provided, single submitter. Criteria: CeGaT Center For Human Genetics Tuebingen Variant Classification Criteria Version 2. Collection method: clinical testing. Allele origin: germline. Affected: yes. Observed: 2 variant alleles.
Comment: NUP188: BP4, BP7